The following is an entry in ClinVar:

ClinVar aggregate classification (germline): Likely benign. Review status: criteria provided, single submitter (1 of 4 stars). 2 submissions from 2 submitters: Likely benign (1). 1 of the submissions does not count toward it. Last evaluated 2025-11-16.

Conditions:
Cenani-Lenz syndactyly syndrome. Also called: SYNDACTYLY, TYPE VII; CENANI SYNDACTYLISM. Identifiers: Orphanet 3258, MedGen C1859309, MONDO:0008931, OMIM 212780.
Sclerosteosis 2 (SOST2). Identifiers: Orphanet 3152, MedGen C3280402, MONDO:0013679, OMIM 614305.
Congenital myasthenic syndrome 17. Identifiers: Orphanet 590, MedGen C4225377, MONDO:0014578, OMIM 616304.
LRP4-related disorder. Also called: LRP4-related condition.

Allele frequency attached by ClinVar (database versions not stated): ExAC 0.00006; TOPMed 0.00006; 1000 Genomes Project 30x 0.00016; 1000 Genomes Project 0.00020.
gnomAD v4.1: 111 of 1,614,040 alleles (0.0069%); highest among the groups gnomAD compares: Middle Eastern, 0.033%; no homozygotes.

Submissions (2):

Labcorp Genetics (formerly Invitae), Labcorp
Classification: Likely benign for Cenani-Lenz syndactyly syndrome; Sclerosteosis 2; Congenital myasthenic syndrome 17. Last evaluated: 2025-11-16. Review status: criteria provided, single submitter. Criteria: Invitae Variant Classification Sherloc (09022015). Collection method: clinical testing. Allele origin: germline.

PreventionGenetics, part of Exact Sciences
Classification: Likely benign for LRP4-related condition. Last evaluated: 2024-03-27. Review status: no assertion criteria provided. Collection method: clinical testing. Allele origin: germline. Not counted in ClinVar's aggregate classification.
Comment: This variant is classified as likely benign based on ACMG/AMP sequence variant interpretation guidelines (Richards et al. 2015 PMID: 25741868, with internal and published modifications).

NM_002334.4(LRP4):c.2130G>A (p.Thr710=)

Gene: LRP4 (LDL receptor related protein 4; minus strand). Cytogenetic location: 11p11.2.
Variant type: single nucleotide variant.
Coding change: c.2130G>A on transcript NM_002334.4 (MANE Select); coding-DNA position 2130, G replaced by A.
Protein change: p.Thr710=; no amino-acid change (threonine 710 retained).
Molecular consequence: synonymous variant.
Genome position (GRCh38, 1-based): chr11:46,889,496, C>T on the plus strand (G>A on the coding strand, the complement: LRP4 is on the minus strand). VCF-style: chr11-46889496-C-T. GRCh37 (hg19) VCF-style: chr11-46911047-C-T.
Identifiers: ClinVar variation 467783 (VCV000467783.13), dbSNP rs199674492, ClinGen allele CA5969974.
Genomic context (GRCh38, chr11:46,889,496, plus strand): 5'-CTTGCGGAAGCCAGTGGGGCAGGCACAGGTGTAGTTCTGGCCACTGGGCAGACACAGGTG[C>T]GTGCAGCCTCCGTTGTTGTCCCCACAGCGGTTTTTCCCTGCTCAAAGAGCCCAGGGCAAG-3'
Protein context (NP_002325.2, residues 700-720): NRCGDNNGGC[Thr710=]HLCLPSGQNY